The following is an entry in ClinVar:

NM_007294.4(BRCA1):c.2399A>C (p.Lys800Thr)

Gene: BRCA1 (BRCA1 DNA repair associated; minus strand). Cytogenetic location: 17q21.31.
Variant type: single nucleotide variant.
Coding change: c.2399A>C on transcript NM_007294.4 (MANE Select); coding-DNA position 2399, A replaced by C.
Protein change: p.Lys800Thr; replaces lysine 800 with threonine.
Molecular consequence: missense variant. On other transcripts: intron variant (137).
Genome position (GRCh38, 1-based): chr17:43,093,132, T>G on the plus strand (A>C on the coding strand, the complement: BRCA1 is on the minus strand). VCF-style: chr17-43093132-T-G. GRCh37 (hg19) VCF-style: chr17-41245149-T-G.
Other names: c.2186A>C, p.Lys729Thr (NM_001407571.1, NM_001407853.1, NM_001407894.1 and 9 more transcripts); c.2399A>C, p.Lys800Thr (NM_001407581.1, NM_001407582.1, NM_001407583.1 and 30 more transcripts); c.2396A>C, p.Lys799Thr (NM_001407587.1, NM_001407590.1, NM_001407591.1 and 22 more transcripts); c.2390A>C, p.Lys797Thr (NM_001407646.1, NM_001407647.1); c.2276A>C, p.Lys759Thr (NM_001407648.1, NM_001407664.1, NM_001407665.1 and 19 more transcripts); c.2273A>C, p.Lys758Thr (NM_001407649.1, NM_001407670.1, NM_001407671.1 and 11 more transcripts); c.2321A>C, p.Lys774Thr (NM_001407653.1, NM_001407654.1, NM_001407655.1 and 4 more transcripts); c.2318A>C, p.Lys773Thr (NM_001407659.1, NM_001407660.1, NM_001407661.1 and 1 more transcripts); and 41 more; short protein forms K632T, K672T, K689T, K759T, K504T, K712T, K752T, K773T.
Identifiers: ClinVar variation 1790656 (VCV001790656.4), dbSNP rs2154379644, ClinGen allele CA10597212.
Genomic context (GRCh38, chr17:43,093,132, plus strand): 5'-TTGGAACAACCATGAATTAGTCCCTTGGGGTTTTCAAATGCTGCACACTGACTCACACAT[T>G]TATTTGGTTCTGTTTTTGCCTTCCCTAGAGTGCTAACTTCCAGTAACGAGATACTTTCCT-3'
Protein context (NP_009225.1, residues 790-810): TLGKAKTEPN[Lys800Thr]CVSQCAAFEN

ClinVar aggregate classification (germline): Conflicting classifications of pathogenicity. Review status: criteria provided, conflicting classifications (1 of 4 stars). 2 submissions from 2 submitters: Uncertain significance (1); Likely benign (1). Last evaluated 2023-03-23.

Conditions:
Hereditary cancer-predisposing syndrome. Also called: Hereditary Cancer Syndrome; Hereditary neoplastic syndrome; Tumor predisposition; Neoplastic Syndromes, Hereditary. Identifiers: Orphanet 140162, MedGen C0027672, MeSH D009386, MONDO:0015356.

Submissions (2):

University of Washington Department of Laboratory Medicine, University of Washington
Classification: Likely benign for Hereditary cancer-predisposing syndrome. Last evaluated: 2023-03-23. Review status: criteria provided, single submitter. Criteria: Dines et al. (Genet Med. 2020). Collection method: curation. Allele origin: germline.
Comment: Missense variant in a coldspot region where missense variants are very unlikely to be pathogenic (PMID:31911673).

BRCA1 coldspot (exon 11 using historical exon numbering). Reclassification based on statistical prior probability

Ambry Genetics
Classification: Uncertain significance for Hereditary cancer-predisposing syndrome. Last evaluated: 2019-09-28. Review status: criteria provided, single submitter. Criteria: Ambry Variant Classification Scheme 2023. Collection method: clinical testing. Allele origin: germline.
Comment: The p.K800T variant (also known as c.2399A>C), located in coding exon 9 of the BRCA1 gene, results from an A to C substitution at nucleotide position 2399. The lysine at codon 800 is replaced by threonine, an amino acid with similar properties. This amino acid position is poorly conserved in available vertebrate species. In addition, this alteration is predicted to be tolerated by in silico analysis. Since supporting evidence is limited at this time, the clinical significance of this alteration remains unclear.